The following is an entry in ClinVar:

NM_002907.4(RECQL):c.706A>G (p.Lys236Glu)

Gene: RECQL (RecQ like helicase; minus strand). Cytogenetic location: 12p12.1.
Variant type: single nucleotide variant.
Coding change: c.706A>G on transcript NM_002907.4 (MANE Select); coding-DNA position 706, A replaced by G.
Protein change: p.Lys236Glu; replaces lysine 236 with glutamic acid.
Molecular consequence: missense variant.
Genome position (GRCh38, 1-based): chr12:21,477,964, T>C on the plus strand (A>G on the coding strand, the complement: RECQL is on the minus strand). VCF-style: chr12-21477964-T-C. GRCh37 (hg19) VCF-style: chr12-21630898-T-C.
Other names: c.706A>G, p.Lys236Glu (NM_032941.3); short protein forms K236E.
Identifiers: ClinVar variation 3431791 (VCV003431791.2).

ClinVar aggregate classification (germline): Uncertain significance. Review status: criteria provided, multiple submitters, no conflicts (2 of 4 stars). 2 submissions from 2 submitters: Uncertain significance (2). Last evaluated 2024-08-19.

Submissions (2):

Ambry Genetics
Classification: Uncertain significance. Last evaluated: 2024-08-19. Review status: criteria provided, single submitter. Criteria: Ambry Variant Classification Scheme 2023. Collection method: clinical testing. Allele origin: germline.
Comment: The p.K236E variant (also known as c.706A>G), located in coding exon 6 of the RECQL gene, results from an A to G substitution at nucleotide position 706. The lysine at codon 236 is replaced by glutamic acid, an amino acid with similar properties. This amino acid position is conserved. In addition, this alteration is predicted to be deleterious by in silico analysis. Based on the available evidence, the clinical significance of this variant remains unclear.

Blueprint Genetics
Classification: Uncertain significance. Last evaluated: 2023-12-16. Review status: criteria provided, single submitter. Criteria: ACMG Guidelines, 2015. Collection method: clinical testing. Allele origin: germline.